The following is an entry in ClinVar:

NM_000077.5(CDKN2A):c.132C>A (p.Tyr44Ter)

Gene: CDKN2A (cyclin dependent kinase inhibitor 2A; minus strand). Cytogenetic location: 9p21.3.
Variant type: single nucleotide variant.
Coding change: c.132C>A on transcript NM_000077.5; coding-DNA position 132, C replaced by A.
Protein change: p.Tyr44Ter; replaces tyrosine 44 with a stop codon.
Molecular consequence: nonsense (on NM_000077.6). On other transcripts: intron variant (2).
Genome position (GRCh38, 1-based): chr9:21,974,696, G>T on the plus strand (C>A on the coding strand, the complement: CDKN2A is on the minus strand). VCF-style: chr9-21974696-G-T. GRCh37 (hg19) VCF-style: chr9-21974695-G-T.
Other names: c.132C>A, p.Tyr44Ter (NM_000077.6, NM_001195132.2, NM_058197.5); c.-3-3488C>A (NM_001363763.2); c.194-3488C>A (NM_058195.4); short protein forms Y44*.
Identifiers: ClinVar variation 655275 (VCV000655275.11), dbSNP rs1554656253, ClinGen allele CA373086507.

ClinVar aggregate classification (germline): Pathogenic. Review status: criteria provided, multiple submitters, no conflicts (2 of 4 stars). 3 submissions from 3 submitters: Pathogenic (3). Last evaluated 2025-03-10.

Conditions:
Hereditary cancer-predisposing syndrome. Also called: Neoplastic Syndromes, Hereditary; Hereditary Cancer Syndrome; Tumor predisposition; Hereditary neoplastic syndrome. Identifiers: Orphanet 140162, MedGen C0027672, MeSH D009386, MONDO:0015356.
CDKN2A-related disorder. Also called: CDKN2A-related condition.
Familial melanoma. Also called: Hereditary melanoma; Hereditary cutaneous melanoma. Identifiers: Orphanet 618, MedGen C1512419, MONDO:0018961.

Submissions (7):

Ambry Genetics
Classification: Pathogenic for Hereditary cancer-predisposing syndrome. Last evaluated: 2025-03-10. Review status: criteria provided, single submitter. Criteria: Ambry Variant Classification Scheme 2023. Collection method: clinical testing. Allele origin: germline.
Comment: The p.Y44* pathogenic mutation (also known as c.132C>A), located in coding exon 1 of the CDKN2A gene, results from a C to A substitution at nucleotide position 132. This changes the amino acid from a tyrosine to a stop codon within coding exon 1. This variant has been observed in individuals with melanoma (MacKie RM et al. J. Invest. Dermatol. 1998 Aug;111(2):269-72; Begg CB et al. J. Natl. Cancer Inst. 2005 Oct;97(20):1507-15). Other alterations (c.132dupA, c.131_132insAA, c.132delC, c.132C>G) also resulting in the same stop codon (p.Y44*) have been reported in individuals with melanoma and pancreatic cancer (Ambry internal data; de Snoo FA et al. J. Am. Acad. Dermatol. 2007 May;56(5):748-52). This variant is considered to be rare based on population cohorts in the Genome Aggregation Database (gnomAD). This alteration is expected to result in loss of function by premature protein truncation or nonsense-mediated mRNA decay. As such, this alteration is interpreted as a disease-causing mutation.

Blueprint Genetics
Classification: Pathogenic for CDKN2A-related disorders. Last evaluated: 2024-07-24. Review status: criteria provided, single submitter. Criteria: ACMG Guidelines, 2015. Collection method: clinical testing. Allele origin: germline. Affected: yes. Observed: 1 variant allele.

Labcorp Genetics (formerly Invitae), Labcorp
Classification: Pathogenic for Familial melanoma. Last evaluated: 2018-11-06. Review status: criteria provided, single submitter. Criteria: Invitae Variant Classification Sherloc (09022015). Collection method: clinical testing. Allele origin: germline.
Comment: For these reasons, this variant has been classified as Pathogenic. Loss-of-function variants in CDKN2A (p16INK4a) are known to be pathogenic (PMID: 15146471, 16905682). This variant has been observed in an individual and a family affected with melanoma (PMID: 9699728, 16234564). This variant is not present in population databases (ExAC no frequency). This sequence change creates a premature translational stop signal (p.Tyr44*) in the CDKN2A (p16INK4a) gene. It is expected to result in an absent or disrupted protein product.

Dr. Peter K. Rogan Lab, Western University
No classification provided (evidence only). Condition: Squamous cell lung carcinoma. Review status: no classification provided. Collection method: in vitro. Allele origin: not applicable. Functional consequence: retained intron. Not counted in ClinVar's aggregate classification.

Dr. Peter K. Rogan Lab, Western University
No classification provided (evidence only). Condition: Squamous cell lung carcinoma. Review status: no classification provided. Collection method: in vitro. Allele origin: not applicable. Functional consequence: retained intron. Not counted in ClinVar's aggregate classification.

Dr. Peter K. Rogan Lab, Western University
No classification provided (evidence only). Condition: Gastric cancer. Review status: no classification provided. Collection method: in vitro. Allele origin: not applicable. Functional consequence: retained intron. Not counted in ClinVar's aggregate classification.

Dr. Peter K. Rogan Lab, Western University
No classification provided (evidence only). Condition: Malignant tumor of esophagus. Review status: no classification provided. Collection method: in vitro. Allele origin: not applicable. Functional consequence: cryptic splice site, retained intron. Not counted in ClinVar's aggregate classification.

Literature cited by the submitters: PubMed 16234564 (cited by Ambry Genetics and Labcorp Genetics (formerly Invitae), Labcorp); PubMed 17218939 (cited by Ambry Genetics); PubMed 9699728 (cited by Ambry Genetics and Labcorp Genetics (formerly Invitae), Labcorp); PubMed 15146471 (cited by Labcorp Genetics (formerly Invitae), Labcorp); PubMed 16905682 (cited by Labcorp Genetics (formerly Invitae), Labcorp).